The following is an entry in ClinVar:

ClinVar aggregate classification (germline): Conflicting classifications of pathogenicity. Review status: criteria provided, conflicting classifications (1 of 4 stars). 2 submissions from 2 submitters: Uncertain significance (1); Likely benign (1). Last evaluated 2025-08-27.

Conditions:
Dyskeratosis congenita, autosomal recessive 5 (DKCB5). Identifiers: MedGen C3554656, MONDO:0014076, OMIM 615190.
Pulmonary fibrosis and/or bone marrow failure, Telomere-related, 3. Also called: PULMONARY FIBROSIS AND/OR BONE MARROW FAILURE SYNDROME, TELOMERE-RELATED, 3. Identifiers: Orphanet 2032, MedGen C4225346, MONDO:0014613, OMIM 616373.

gnomAD v4.1: 5 of 1,547,886 alleles (0.00032%); highest among the groups gnomAD compares: Admixed American, 0.0039%; no homozygotes.

Submissions (2):

Labcorp Genetics (formerly Invitae), Labcorp
Classification: Uncertain significance for Dyskeratosis congenita, autosomal recessive 5; Pulmonary fibrosis and/or bone marrow failure, Telomere-related, 3. Last evaluated: 2025-08-27. Review status: criteria provided, single submitter. Criteria: Invitae Variant Classification Sherloc (09022015). Collection method: clinical testing. Allele origin: germline.
Comment: This sequence change falls in intron 27 of the RTEL1 gene. It does not directly change the encoded amino acid sequence of the RTEL1 protein. It affects a nucleotide within the consensus splice site. The frequency data for this variant in the population databases is considered unreliable, as metrics indicate poor data quality at this position in the gnomAD database. This variant has not been reported in the literature in individuals affected with RTEL1-related conditions. Variants that disrupt the consensus splice site are a relatively common cause of aberrant splicing (PMID: 17576681, 9536098). Algorithms developed to predict the effect of sequence changes on RNA splicing suggest that this variant is not likely to affect RNA splicing. In summary, the available evidence is currently insufficient to determine the role of this variant in disease. Therefore, it has been classified as a Variant of Uncertain Significance.

Blueprint Genetics
Classification: Likely benign. Last evaluated: 2022-06-03. Review status: criteria provided, single submitter. Criteria: ACMG Guidelines, 2015. Collection method: clinical testing. Allele origin: germline.

Literature cited by the submitters: PubMed 17576681 (cited by Labcorp Genetics (formerly Invitae), Labcorp); PubMed 9536098 (cited by Labcorp Genetics (formerly Invitae), Labcorp).

NM_001283009.2(RTEL1):c.2556+4C>T

Genes: RTEL1 (regulator of telomere elongation helicase 1; plus strand), RTEL1-TNFRSF6B (RTEL1-TNFRSF6B readthrough (NMD candidate); plus strand). Cytogenetic location: 20q13.33.
Variant type: single nucleotide variant.
Coding change: c.2556+4C>T on transcript NM_001283009.2 (MANE Select); 4 bases into the intron after coding-DNA position 2556, C replaced by T.
Molecular consequence: intron variant.
Genome position (GRCh38, 1-based): chr20:63,690,951, C>T. VCF-style: chr20-63690951-C-T. GRCh37 (hg19) VCF-style: chr20-62322304-C-T.
Other names: c.1887+4C>T (NM_001283010.1); c.2628+4C>T (NM_032957.5); c.2556+4C>T (NM_016434.4).
Identifiers: ClinVar variation 4787599 (VCV004787599.2).